The following is an entry in ClinVar:

ClinVar aggregate classification (germline): Uncertain significance. Review status: criteria provided, multiple submitters, no conflicts (2 of 4 stars). 3 submissions from 3 submitters: Uncertain significance (2). 1 of the submissions does not count toward it. Last evaluated 2024-09-28.

Conditions:
Glycine encephalopathy. Also called: Nonketotic hyperglycinemia; Non-ketotic hyperglycinemia. Identifiers: Orphanet 407, MedGen C0751748, MONDO:0011612, HP:0008288.

Allele frequency attached by ClinVar (database versions not stated): TOPMed below 0.00001; gnomAD 0.00001.
gnomAD v4.1: 3 of 1,608,126 alleles (0.00019%); highest among the groups gnomAD compares: African/African-American, 0.0013%; no homozygotes.

Submissions (3):

GeneDx
Classification: Uncertain significance. Last evaluated: 2024-09-28. Review status: criteria provided, single submitter. Criteria: GeneDx Variant Classification Process June 2021. Collection method: clinical testing. Allele origin: germline. Affected: yes.
Comment: Not observed at significant frequency in large population cohorts (gnomAD); In silico analysis supports that this missense variant has a deleterious effect on protein structure/function; Has not been previously published as pathogenic or benign to our knowledge

Labcorp Genetics (formerly Invitae), Labcorp
Classification: Uncertain significance for Glycine encephalopathy. Last evaluated: 2020-03-25. Review status: criteria provided, single submitter. Criteria: Invitae Variant Classification Sherloc (09022015). Collection method: clinical testing. Allele origin: germline.
Comment: In summary, the available evidence is currently insufficient to determine the role of this variant in disease. Therefore, it has been classified as a Variant of Uncertain Significance. Algorithms developed to predict the effect of missense changes on protein structure and function are either unavailable or do not agree on the potential impact of this missense change (SIFT: "Deleterious"; PolyPhen-2: "Benign"; Align-GVGD: "Class C0"). This variant has not been reported in the literature in individuals with GLDC-related conditions. This variant is not present in population databases (ExAC no frequency). This sequence change replaces valine with alanine at codon 221 of the GLDC protein (p.Val221Ala). The valine residue is moderately conserved and there is a small physicochemical difference between valine and alanine.

Natera, Inc.
Classification: Uncertain significance for Non-ketotic hyperglycinemia. Last evaluated: 2020-01-24. Review status: no assertion criteria provided. Collection method: clinical testing. Allele origin: germline. Not counted in ClinVar's aggregate classification.

NM_000170.3(GLDC):c.662T>C (p.Val221Ala)

Gene: GLDC (glycine decarboxylase; minus strand). Cytogenetic location: 9p24.1.
Variant type: single nucleotide variant.
Coding change: c.662T>C on transcript NM_000170.3 (MANE Select); coding-DNA position 662, T replaced by C.
Protein change: p.Val221Ala; replaces valine 221 with alanine.
Molecular consequence: missense variant.
Genome position (GRCh38, 1-based): chr9:6,606,643, A>G on the plus strand (T>C on the coding strand, the complement: GLDC is on the minus strand). VCF-style: chr9-6606643-A-G. GRCh37 (hg19) VCF-style: chr9-6606643-A-G.
Other names: c.662T>C (NM_000170.2); short protein forms V221A.
Identifiers: ClinVar variation 1041056 (VCV001041056.13), dbSNP rs1313892401, ClinGen allele CA372897632.